The following is an entry in ClinVar:

NM_001379286.1(ZNF423):c.2743C>T (p.Arg915Trp)

Gene: ZNF423 (zinc finger protein 423; minus strand). Cytogenetic location: 16q12.1.
Variant type: single nucleotide variant.
Coding change: c.2743C>T on transcript NM_001379286.1 (MANE Select); coding-DNA position 2743, C replaced by T.
Protein change: p.Arg915Trp; replaces arginine 915 with tryptophan.
Molecular consequence: missense variant.
Genome position (GRCh38, 1-based): chr16:49,636,433, G>A on the plus strand (C>T on the coding strand, the complement: ZNF423 is on the minus strand). VCF-style: chr16-49636433-G-A. GRCh37 (hg19) VCF-style: chr16-49670344-G-A.
Other names: c.2539C>T, p.Arg847Trp (NM_001271620.2); c.2368C>T, p.Arg790Trp (NM_001330533.2); c.2719C>T, p.Arg907Trp (NM_015069.5); c.2719C>T (NM_015069.4); short protein forms R790W, R847W, R915W, R907W.
Identifiers: ClinVar variation 1434555 (VCV001434555.6), dbSNP rs544721667, ClinGen allele CA8046441.

ClinVar aggregate classification (germline): Uncertain significance. Review status: criteria provided, multiple submitters, no conflicts (2 of 4 stars). 2 submissions from 2 submitters: Uncertain significance (2). Last evaluated 2026-04-30.

Conditions:
ZNF423-related disorder. Also called: ZNF423-related condition.
Nephronophthisis 14 (NPHP14). Identifiers: Orphanet 2318, MedGen C3539071, MONDO:0013916, OMIM 614844.

Allele frequency attached by ClinVar (database versions not stated): gnomAD 0.00001 and 0.00003; TOPMed 0.00001; gnomAD exomes 0.00003 and 0.00004; ExAC 0.00005; 1000 Genomes Project 30x 0.00016; 1000 Genomes Project 0.00020.
gnomAD v4.1: 53 of 1,613,306 alleles (0.0033%); highest among the groups gnomAD compares: Middle Eastern, 0.016%; no homozygotes.

Submissions (2):

PreventionGenetics, part of Exact Sciences
Classification: Uncertain significance for ZNF423-related condition. Last evaluated: 2026-04-30. Review status: criteria provided, single submitter. Criteria: ACMG Guidelines, 2015. Collection method: clinical testing. Allele origin: germline.
Comment: The ZNF423 c.2719C>T variant is predicted to result in the amino acid substitution p.Arg907Trp. To our knowledge, this variant has not been reported in the literature. This variant is reported in 0.0065% of alleles in individuals of South Asian descent in gnomAD. At this time, the clinical significance of this variant is uncertain due to the absence of conclusive functional and genetic evidence.

Labcorp Genetics (formerly Invitae), Labcorp
Classification: Uncertain significance for Nephronophthisis 14. Last evaluated: 2022-11-01. Review status: criteria provided, single submitter. Criteria: Invitae Variant Classification Sherloc (09022015). Collection method: clinical testing. Allele origin: germline.
Comment: This sequence change replaces arginine, which is basic and polar, with tryptophan, which is neutral and slightly polar, at codon 907 of the ZNF423 protein (p.Arg907Trp). This variant is present in population databases (rs544721667, gnomAD 0.006%). This variant has not been reported in the literature in individuals affected with ZNF423-related conditions. ClinVar contains an entry for this variant (Variation ID: 1434555). Advanced modeling of protein sequence and biophysical properties (such as structural, functional, and spatial information, amino acid conservation, physicochemical variation, residue mobility, and thermodynamic stability) performed at Invitae indicates that this missense variant is not expected to disrupt ZNF423 protein function. In summary, the available evidence is currently insufficient to determine the role of this variant in disease. Therefore, it has been classified as a Variant of Uncertain Significance.